The following is an entry in ClinVar:

ClinVar aggregate classification (germline): Uncertain significance (1 of 4 stars; one submission).

Allele frequency attached by ClinVar (database versions not stated): gnomAD exomes below 0.00001; TOPMed 0.00001.

Submission:

Labcorp Genetics (formerly Invitae), Labcorp
Classification: Uncertain significance. Last evaluated: 2022-03-04. Review status: criteria provided, single submitter. Criteria: Invitae Variant Classification Sherloc (09022015). Collection method: clinical testing. Allele origin: germline.
Comment: This sequence change replaces tryptophan, which is neutral and slightly polar, with serine, which is neutral and polar, at codon 458 of the DGAT1 protein (p.Trp458Ser). This variant is present in population databases (no rsID available, gnomAD 0.003%). This variant has not been reported in the literature in individuals affected with DGAT1-related conditions. Algorithms developed to predict the effect of missense changes on protein structure and function are either unavailable or do not agree on the potential impact of this missense change (SIFT: "Deleterious"; PolyPhen-2: "Probably Damaging"; Align-GVGD: "Class C0"). In summary, the available evidence is currently insufficient to determine the role of this variant in disease. Therefore, it has been classified as a Variant of Uncertain Significance.

NM_012079.6(DGAT1):c.1373G>C (p.Trp458Ser)

Gene: DGAT1 (diacylglycerol O-acyltransferase 1; minus strand). Cytogenetic location: 8q24.3.
Variant type: single nucleotide variant.
Coding change: c.1373G>C on transcript NM_012079.6 (MANE Select); coding-DNA position 1373, G replaced by C.
Protein change: p.Trp458Ser; replaces tryptophan 458 with serine.
Molecular consequence: missense variant.
Genome position (GRCh38, 1-based): chr8:144,316,648, C>G on the plus strand (G>C on the coding strand, the complement: DGAT1 is on the minus strand). VCF-style: chr8-144316648-C-G. GRCh37 (hg19) VCF-style: chr8-145540311-C-G.
Other names: short protein forms W458S.
Identifiers: ClinVar variation 1961898 (VCV001961898.2), dbSNP rs1339186687, ClinGen allele CA372607723.